The following is an entry in ClinVar:

NM_003999.3(OSMR):c.808C>T (p.Gln270Ter)

Gene: OSMR (oncostatin M receptor; plus strand). Cytogenetic location: 5p13.1.
Variant type: single nucleotide variant.
Coding change: c.808C>T on transcript NM_003999.3 (MANE Select); coding-DNA position 808, C replaced by T.
Protein change: p.Gln270Ter; replaces glutamine 270 with a stop codon.
Molecular consequence: nonsense.
Genome position (GRCh38, 1-based): chr5:38,885,453, C>T. VCF-style: chr5-38885453-C-T. GRCh37 (hg19) VCF-style: chr5-38885555-C-T.
Other names: c.808C>T, p.Gln270Ter (NM_001168355.3, NM_001323504.2, NM_001323505.2 and 2 more transcripts); short protein forms Q270*.
Identifiers: ClinVar variation 4852968 (VCV004852968.2).

ClinVar aggregate classification (germline): Likely pathogenic. Review status: criteria provided, single submitter (1 of 4 stars). 2 submissions from 2 submitters: Likely pathogenic (1). 1 of the submissions does not count toward it.

Conditions:
Increased circulating IgE concentration. Also called: Increased IgE level; Ige, elevated level of. Identifiers: MedGen C0236175, HP:0003212.
Increased total eosinophil count. Also called: Eosinophilia. Identifiers: MedGen C0014457, HP:0001880.
Atopic eczema. Identifiers: MedGen C0011615, MONDO:0004980, HP:0001047.
HYPER-IgE SYNDROME 7, AUTOSOMAL RECESSIVE (HIES7). Identifiers: MedGen CN382683, OMIM 621760.

gnomAD v4.1: 3 of 1,614,046 alleles (0.00019%); highest among the groups gnomAD compares: Middle Eastern, 0.05%; no homozygotes.

Submissions (2):

Turvey Lab, BC Children's Hospital Research Institute
Classification: Likely pathogenic for Atopic eczema; Increased circulating IgE concentration; Increased total eosinophil count. Review status: criteria provided, single submitter. Criteria: ACMG Guidelines, 2015. Collection method: research, in vitro. Allele origin: germline, not applicable. Affected: yes. Observed: 1 variant allele. Functional consequence: protein truncation, cellular mislocalization.
Comment: The OSMR c.808C>T (p.Gln270*) variant is a nonsense variant introducing a premature stop codon in the cytokine-binding domain of OSMRβ, a member of the IL-6 superfamily that mediates signalling through both the OSM type II receptor and the IL-31 receptor. This variant has been identified in one proband with severe early-onset atopic dermatitis, peripheral eosinophilia, and elevated serum IgE, in whom it was found in the homozygous state (Samra et al., JHI 2026; DOI 10.70962/jhi.20260067). Functional studies in HEK293 cells demonstrated that OSMRβ protein bearing the p.Gln270* variant showed markedly reduced/absent cell surface expression compared to wildtype, consistent with a loss-of-function effect (PS3). Note that primary patient-derived cell assays and lentiviral rescue experiments were not performed for this specific variant. This variant is absent from the Genome Aggregation Database (gnomAD), indicating it is not a common polymorphism (PM2). In silico prediction tools including CADD, SIFT, and PolyPhen-2 predict this variant to be damaging (PP3). Although this nonsense variant would ordinarily warrant consideration of PVS1, this criterion was intentionally not applied as loss-of-function has not yet been established as a disease mechanism for OSMR in a peer-reviewed publication; this classification will be reviewed and updated upon formal publication of the associated manuscript. In summary, this variant is classified as Likely Pathogenic based on the following ACMG/AMP criteria: PS3 (Strong), PM2 (Moderate), PP3 (Supporting), meeting rule (ii) for Likely Pathogenic classification (1 Strong + 1–2 Moderate).

OMIM
Classification: Pathogenic for HYPER-IgE SYNDROME 7, AUTOSOMAL RECESSIVE. Last evaluated: 2026-11-25. Review status: no assertion criteria provided. Collection method: literature only. Allele origin: germline. Not counted in ClinVar's aggregate classification.

Literature cited by the submitters: PubMed 42221229 (cited by OMIM).